The following is an entry in ClinVar:

NM_001447.3(FAT2):c.1295A>G (p.His432Arg)

Gene: FAT2 (FAT atypical cadherin 2; minus strand). Cytogenetic location: 5q33.1.
Variant type: single nucleotide variant.
Coding change: c.1295A>G on transcript NM_001447.3 (MANE Select); coding-DNA position 1295, A replaced by G.
Protein change: p.His432Arg; replaces histidine 432 with arginine.
Molecular consequence: missense variant.
Genome position (GRCh38, 1-based): chr5:151,567,637, T>C on the plus strand (A>G on the coding strand, the complement: FAT2 is on the minus strand). VCF-style: chr5-151567637-T-C. GRCh37 (hg19) VCF-style: chr5-150947198-T-C.
Other names: short protein forms H432R.
Identifiers: ClinVar variation 5041662 (VCV005041662.1).

ClinVar aggregate classification (germline): Uncertain significance (1 of 4 stars; one submission).

Submission:

CeGaT Center for Human Genetics Tuebingen
Classification: Uncertain significance. Last evaluated: 2026-09-01. Review status: criteria provided, single submitter. Criteria: CeGaT Center For Human Genetics Tuebingen Variant Classification Criteria Version 2. Collection method: clinical testing. Allele origin: germline. Affected: yes. Observed: 1 variant allele.
Comment: FAT2: PM2, PP2, BP4